The following is an entry in ClinVar:

ClinVar aggregate classification (germline): Uncertain significance (1 of 4 stars; one submission).

Submission:

Labcorp Genetics (formerly Invitae), Labcorp
Classification: Uncertain significance. Last evaluated: 2024-06-21. Review status: criteria provided, single submitter. Criteria: Invitae Variant Classification Sherloc (09022015). Collection method: clinical testing. Allele origin: germline.
Comment: This sequence change replaces isoleucine, which is neutral and non-polar, with threonine, which is neutral and polar, at codon 3800 of the MACF1 protein (p.Ile3800Thr). This variant is not present in population databases (gnomAD no frequency). This variant has not been reported in the literature in individuals affected with MACF1-related conditions. Algorithms developed to predict the effect of missense changes on protein structure and function output the following: SIFT: "Not Available"; PolyPhen-2: "Benign"; Align-GVGD: "Not Available". The threonine amino acid residue is found in multiple mammalian species, which suggests that this missense change does not adversely affect protein function. In summary, the available evidence is currently insufficient to determine the role of this variant in disease. Therefore, it has been classified as a Variant of Uncertain Significance.

NM_001394062.1(MACF1):c.17585T>C (p.Ile5862Thr)

Gene: MACF1 (microtubule actin crosslinking factor 1; plus strand). Cytogenetic location: 1p34.3.
Variant type: single nucleotide variant.
Coding change: c.17585T>C on transcript NM_001394062.1 (MANE Select); coding-DNA position 17585, T replaced by C.
Protein change: p.Ile5862Thr; replaces isoleucine 5862 with threonine.
Molecular consequence: missense variant.
Genome position (GRCh38, 1-based): chr1:39,434,433, T>C. VCF-style: chr1-39434433-T-C. GRCh37 (hg19) VCF-style: chr1-39900105-T-C.
Other names: c.5654T>C, p.Ile1885Thr (NM_001397473.1); c.11399T>C, p.Ile3800Thr (NM_012090.5); short protein forms I5862T, I1885T, I3800T.
Identifiers: ClinVar variation 3631904 (VCV003631904.2).